The following is an entry in ClinVar:

NM_024685.4(BBS10):c.1027C>T (p.Arg343Trp)

Gene: BBS10 (Bardet-Biedl syndrome 10; minus strand). Cytogenetic location: 12q21.2.
Variant type: single nucleotide variant.
Coding change: c.1027C>T on transcript NM_024685.4 (MANE Select); coding-DNA position 1027, C replaced by T.
Protein change: p.Arg343Trp; replaces arginine 343 with tryptophan.
Molecular consequence: missense variant.
Genome position (GRCh38, 1-based): chr12:76,346,958, G>A on the plus strand (C>T on the coding strand, the complement: BBS10 is on the minus strand). VCF-style: chr12-76346958-G-A. GRCh37 (hg19) VCF-style: chr12-76740738-G-A.
Other names: short protein forms R343W.
Identifiers: ClinVar variation 2196733 (VCV002196733.2), dbSNP rs759474648, ClinGen allele CA6694244.
Genomic context (GRCh38, chr12:76,346,958, plus strand): 5'-GTATTTCACACTGCGAAAAGGCCTGTGGTGGTACAAATGGAGAAAGACCAATGATCCTCC[G>A]GATAAGAGAAACTTCTTCTGATGATAAACACTCAACCACTGATATGCCATTCACCCCTGC-3'
Protein context (NP_078961.3, residues 333-353): CLSSEEVSLI[Arg343Trp]RIIGLSPFVP

ClinVar aggregate classification (germline): Uncertain significance. Review status: criteria provided, multiple submitters, no conflicts (2 of 4 stars). 2 submissions from 2 submitters: Uncertain significance (2). Last evaluated 2023-12-29.

Conditions:
Bardet-Biedl syndrome 10 (BBS10). Identifiers: Orphanet 110, MedGen C1859568, MONDO:0014438, OMIM 615987.
Bardet-Biedl syndrome (BBS). Identifiers: Orphanet 110, MedGen C0752166, MONDO:0015229.

Allele frequency attached by ClinVar (database versions not stated): ExAC 0.00001; gnomAD 0.00001; TOPMed 0.00001.
gnomAD v4.1: 22 of 1,610,674 alleles (0.0014%); highest among the groups gnomAD compares: African/African-American, 0.004%; no homozygotes.

Submissions (2):

Fulgent Genetics
Classification: Uncertain significance for Bardet-Biedl syndrome 10. Last evaluated: 2023-12-29. Review status: criteria provided, single submitter. Criteria: ACMG Guidelines, 2015. Collection method: clinical testing. Allele origin: germline.

Labcorp Genetics (formerly Invitae), Labcorp
Classification: Uncertain significance for Bardet-Biedl syndrome. Last evaluated: 2022-07-25. Review status: criteria provided, single submitter. Criteria: Invitae Variant Classification Sherloc (09022015). Collection method: clinical testing. Allele origin: germline.
Comment: This sequence change replaces arginine, which is basic and polar, with tryptophan, which is neutral and slightly polar, at codon 343 of the BBS10 protein (p.Arg343Trp). This variant is present in population databases (rs759474648, gnomAD 0.008%). This variant has not been reported in the literature in individuals affected with BBS10-related conditions. Algorithms developed to predict the effect of missense changes on protein structure and function are either unavailable or do not agree on the potential impact of this missense change (SIFT: "Deleterious"; PolyPhen-2: "Benign"; Align-GVGD: "Class C0"). In summary, the available evidence is currently insufficient to determine the role of this variant in disease. Therefore, it has been classified as a Variant of Uncertain Significance.